The following is an entry in ClinVar:

NM_025114.4(CEP290):c.4478A>G (p.Gln1493Arg)

Gene: CEP290 (centrosomal protein 290; minus strand). Cytogenetic location: 12q21.32.
Variant type: single nucleotide variant.
Coding change: c.4478A>G on transcript NM_025114.4 (MANE Select); coding-DNA position 4478, A replaced by G.
Protein change: p.Gln1493Arg; replaces glutamine 1493 with arginine.
Molecular consequence: missense variant.
Genome position (GRCh38, 1-based): chr12:88,084,812, T>C on the plus strand (A>G on the coding strand, the complement: CEP290 is on the minus strand). VCF-style: chr12-88084812-T-C. GRCh37 (hg19) VCF-style: chr12-88478589-T-C.
Other names: short protein forms Q1493R.
Identifiers: ClinVar variation 4998605 (VCV004998605.1).
Genomic context (GRCh38, chr12:88,084,812, plus strand): 5'-GCAGTGGCAGGCAATCGAAGCCTCAGTTCATTGATTACTTTGTCTCTTGACAGTATATTT[T>C]GTTCTGCTAACCTTAAAGCAGATTCTTTCTCTTTTAGTTTCTGCAATGATTAAATTATAA-3'
Protein context (NP_079390.3, residues 1483-1503): EKESALRLAE[Gln1493Arg]NILSRDKVIN

ClinVar aggregate classification (germline): Uncertain significance (1 of 4 stars; one submission).

Conditions:
CEP290-related disorder. Also called: CEP290-related disorders; CEP290-related condition. Identifiers: MedGen CN239314.

gnomAD v4.1: 13 of 1,607,040 alleles (0.00081%); highest among the groups gnomAD compares: Non-Finnish European, 0.0011%; no homozygotes.

Submission:

PreventionGenetics, part of Exact Sciences
Classification: Uncertain significance for CEP290-related condition. Last evaluated: 2025-03-20. Review status: criteria provided, single submitter. Criteria: ACMG Guidelines, 2015. Collection method: clinical testing. Allele origin: germline.
Comment: The CEP290 c.4478A>G variant is predicted to result in the amino acid substitution p.Gln1493Arg. To our knowledge, this variant has not been reported in the literature or in a large population database (gnomAD), indicating this variant is rare. At this time, the clinical significance of this variant is uncertain due to the absence of conclusive functional and genetic evidence.